The following is an entry in ClinVar:

NM_015559.3(SETBP1):c.1331G>A (p.Ser444Asn)

Gene: SETBP1 (SET binding protein 1; plus strand). Cytogenetic location: 18q12.3.
Variant type: single nucleotide variant.
Coding change: c.1331G>A on transcript NM_015559.3 (MANE Select); coding-DNA position 1331, G replaced by A.
Protein change: p.Ser444Asn; replaces serine 444 with asparagine.
Molecular consequence: missense variant.
Genome position (GRCh38, 1-based): chr18:44,950,671, G>A. VCF-style: chr18-44950671-G-A. GRCh37 (hg19) VCF-style: chr18-42530636-G-A.
Other names: c.1331G>A, p.Ser444Asn (NM_001379141.1, NM_001379142.1, NM_001410862.1); short protein forms S444N.
Identifiers: ClinVar variation 2156212 (VCV002156212.4), dbSNP rs555281601, ClinGen allele CA402318299.

ClinVar aggregate classification (germline): Uncertain significance (1 of 4 stars; one submission).

gnomAD v4.1: 1 of 1,614,156 alleles (0.000062%); no homozygotes.

Submission:

Labcorp Genetics (formerly Invitae), Labcorp
Classification: Uncertain significance. Last evaluated: 2022-04-23. Review status: criteria provided, single submitter. Criteria: Invitae Variant Classification Sherloc (09022015). Collection method: clinical testing. Allele origin: germline.
Comment: In summary, the available evidence is currently insufficient to determine the role of this variant in disease. Therefore, it has been classified as a Variant of Uncertain Significance. Algorithms developed to predict the effect of missense changes on protein structure and function (SIFT, PolyPhen-2, Align-GVGD) all suggest that this variant is likely to be tolerated. This variant has not been reported in the literature in individuals affected with SETBP1-related conditions. This variant is not present in population databases (gnomAD no frequency). This sequence change replaces serine, which is neutral and polar, with asparagine, which is neutral and polar, at codon 444 of the SETBP1 protein (p.Ser444Asn).